The following is an entry in ClinVar:

NM_007294.4(BRCA1):c.2489A>T (p.Lys830Met)

Gene: BRCA1 (BRCA1 DNA repair associated; minus strand). Cytogenetic location: 17q21.31.
Variant type: single nucleotide variant.
Coding change: c.2489A>T on transcript NM_007294.4 (MANE Select); coding-DNA position 2489, A replaced by T.
Protein change: p.Lys830Met; replaces lysine 830 with methionine.
Molecular consequence: missense variant. On other transcripts: intron variant (137).
Genome position (GRCh38, 1-based): chr17:43,093,042, T>A on the plus strand (A>T on the coding strand, the complement: BRCA1 is on the minus strand). VCF-style: chr17-43093042-T-A. GRCh37 (hg19) VCF-style: chr17-41245059-T-A.
Other names: c.2276A>T, p.Lys759Met (NM_001407571.1, NM_001407853.1, NM_001407894.1 and 9 more transcripts); c.2489A>T, p.Lys830Met (NM_001407581.1, NM_001407582.1, NM_001407583.1 and 30 more transcripts); c.2486A>T, p.Lys829Met (NM_001407587.1, NM_001407590.1, NM_001407591.1 and 22 more transcripts); c.2480A>T, p.Lys827Met (NM_001407646.1, NM_001407647.1); c.2366A>T, p.Lys789Met (NM_001407648.1, NM_001407664.1, NM_001407665.1 and 19 more transcripts); c.2363A>T, p.Lys788Met (NM_001407649.1, NM_001407670.1, NM_001407671.1 and 11 more transcripts); c.2411A>T, p.Lys804Met (NM_001407653.1, NM_001407654.1, NM_001407655.1 and 4 more transcripts); c.2408A>T, p.Lys803Met (NM_001407659.1, NM_001407660.1, NM_001407661.1 and 1 more transcripts); and 41 more; short protein forms K830M, K783M, K741M, K759M, K534M, K662M, K742M, K760M.
Identifiers: ClinVar variation 821351 (VCV000821351.7), dbSNP rs1597869641, ClinGen allele CA10597021.
Genomic context (GRCh38, chr17:43,093,042, plus strand): 5'-CTTTCTTCCATTTCTATGCTTGTTTCCCGACTGTGGTTAACTTCATGTCCCAATGGATAC[T>A]TAAAGCCTTCTGTGTCATTTCTATTATCTTTGGAACAACCATGAATTAGTCCCTTGGGGT-3'
Protein context (NP_009225.1, residues 820-840): KDNRNDTEGF[Lys830Met]YPLGHEVNHS

ClinVar aggregate classification (germline): Conflicting classifications of pathogenicity. Review status: criteria provided, conflicting classifications (1 of 4 stars). 2 submissions from 2 submitters: Uncertain significance (1); Likely benign (1). Last evaluated 2023-03-23.

Conditions:
Hereditary cancer-predisposing syndrome. Also called: Neoplastic Syndromes, Hereditary; Tumor predisposition; Hereditary Cancer Syndrome; Hereditary neoplastic syndrome. Identifiers: Orphanet 140162, MedGen C0027672, MeSH D009386, MONDO:0015356.

Submissions (2):

University of Washington Department of Laboratory Medicine, University of Washington
Classification: Likely benign for Hereditary cancer-predisposing syndrome. Last evaluated: 2023-03-23. Review status: criteria provided, single submitter. Criteria: Dines et al. (Genet Med. 2020). Collection method: curation. Allele origin: germline.
Comment: Missense variant in a coldspot region where missense variants are very unlikely to be pathogenic (PMID:31911673).

BRCA1 coldspot (exon 11 using historical exon numbering). Reclassification based on statistical prior probability

Ambry Genetics
Classification: Uncertain significance for Hereditary cancer-predisposing syndrome. Last evaluated: 2018-05-03. Review status: criteria provided, single submitter. Criteria: Ambry Variant Classification Scheme 2023. Collection method: clinical testing. Allele origin: germline.
Comment: The p.K830M variant (also known as c.2489A>T), located in coding exon 9 of the BRCA1 gene, results from an A to T substitution at nucleotide position 2489. The lysine at codon 830 is replaced by methionine, an amino acid with similar properties. This amino acid position is not well conserved in available vertebrate species. In addition, the in silico prediction for this alteration is inconclusive. Since supporting evidence is limited at this time, the clinical significance of this alteration remains unclear.